The following is an entry in ClinVar:

NM_001005242.3(PKP2):c.1379-2074G>A

Gene: PKP2 (plakophilin 2; minus strand). Cytogenetic location: 12p11.21.
Variant type: single nucleotide variant.
Coding change: c.1379-2074G>A on transcript NM_001005242.3 (MANE Select); 2074 bases into the intron before coding-DNA position 1379, G replaced by A.
Molecular consequence: intron variant. On other transcripts: nonsense (2).
Genome position (GRCh38, 1-based): chr12:32,843,279, C>T on the plus strand (G>A on the coding strand, the complement: PKP2 is on the minus strand). VCF-style: chr12-32843279-C-T. GRCh37 (hg19) VCF-style: chr12-32996213-C-T.
Other names: c.1413G>A, p.Trp471Ter (NM_001407157.1, NM_004572.4); c.1379-2074G>A (NM_001407156.1, NM_001407155.1, NM_001407161.1); c.1052-2074G>A (NM_001407160.1, NM_001407159.1, NM_001407158.1 and 1 more transcripts); short protein forms W471*.
Identifiers: ClinVar variation 3889641 (VCV003889641.1).

ClinVar aggregate classification (germline): Uncertain significance (1 of 4 stars; one submission).

Conditions:
Cardiovascular phenotype. Identifiers: MedGen CN230736.

Submission:

Ambry Genetics
Classification: Uncertain significance for Cardiovascular phenotype. Last evaluated: 2024-12-13. Review status: criteria provided, single submitter. Criteria: Ambry Variant Classification Scheme 2023. Collection method: clinical testing. Allele origin: germline.
Comment: The p.W471* variant (also known as c.1413G>A), located in coding exon 6 of the PKP2 gene, results from a G to A substitution at nucleotide position 1413. This changes the amino acid from a tryptophan to a stop codon within coding exon 6. Premature stop codons are typically deleterious in nature, and loss of PKP2 function is an accepted mechanism of disease. However, pathogenicity has not been established for alterations in exon 6 of PKP2. The exon is alternatively spliced, and the predominant isoform in human cardiac tissue, PKP2A, does not include exon 6 (Gandjbakhch E et al. Heart. 2011;97(10):844-9). Based on the available evidence, the clinical significance of this variant remains unclear.